The following is an entry in ClinVar:

ClinVar aggregate classification (germline): Uncertain significance. Review status: criteria provided, multiple submitters, no conflicts (2 of 4 stars). 2 submissions from 2 submitters: Uncertain significance (2). Last evaluated 2024-08-24.

Conditions:
Hereditary cancer-predisposing syndrome. Also called: Hereditary Cancer Syndrome; Tumor predisposition; Hereditary neoplastic syndrome; Neoplastic Syndromes, Hereditary. Identifiers: Orphanet 140162, MedGen C0027672, MeSH D009386, MONDO:0015356.
Bloom syndrome (BLM). Also called: Bloom-Torre-Machacek syndrome. Identifiers: Orphanet 125, MedGen C0005859, MONDO:0008876, OMIM 210900.

Submissions (2):

Ambry Genetics
Classification: Uncertain significance for Hereditary cancer-predisposing syndrome. Last evaluated: 2024-08-24. Review status: criteria provided, single submitter. Criteria: Ambry Variant Classification Scheme 2023. Collection method: clinical testing. Allele origin: germline.
Comment: The p.V724I variant (also known as c.2170G>A), located in coding exon 8 of the BLM gene, results from a G to A substitution at nucleotide position 2170. The valine at codon 724 is replaced by isoleucine, an amino acid with highly similar properties. This amino acid position is conserved. In addition, this alteration is predicted to be tolerated by in silico analysis. Based on the available evidence, the clinical significance of this variant remains unclear.

Labcorp Genetics (formerly Invitae), Labcorp
Classification: Uncertain significance for Bloom syndrome. Last evaluated: 2021-08-24. Review status: criteria provided, single submitter. Criteria: Invitae Variant Classification Sherloc (09022015). Collection method: clinical testing. Allele origin: germline.
Comment: This sequence change replaces valine with isoleucine at codon 724 of the BLM protein (p.Val724Ile). The valine residue is moderately conserved and there is a small physicochemical difference between valine and isoleucine. This variant is not present in population databases (ExAC no frequency). This variant has not been reported in the literature in individuals affected with BLM-related conditions. Algorithms developed to predict the effect of missense changes on protein structure and function are either unavailable or do not agree on the potential impact of this missense change (SIFT: "Tolerated"; PolyPhen-2: "Probably Damaging"; Align-GVGD: "Class C0"). In summary, the available evidence is currently insufficient to determine the role of this variant in disease. Therefore, it has been classified as a Variant of Uncertain Significance.

NM_000057.4(BLM):c.2170G>A (p.Val724Ile)

Gene: BLM (BLM RecQ like helicase; plus strand). Cytogenetic location: 15q26.1.
Variant type: single nucleotide variant.
Coding change: c.2170G>A on transcript NM_000057.4 (MANE Select); coding-DNA position 2170, G replaced by A.
Protein change: p.Val724Ile; replaces valine 724 with isoleucine.
Molecular consequence: missense variant.
Genome position (GRCh38, 1-based): chr15:90,765,391, G>A. VCF-style: chr15-90765391-G-A. GRCh37 (hg19) VCF-style: chr15-91308621-G-A.
Other names: c.2170G>A (NM_000057.2); c.2170G>A, p.Val724Ile (NM_001287246.2, NM_001287247.2); c.1045G>A, p.Val349Ile (NM_001287248.2); short protein forms V349I, V724I.
Identifiers: ClinVar variation 1043697 (VCV001043697.7), dbSNP rs1896096762, ClinGen allele CA393844702.